The following is an entry in ClinVar:

NM_001999.4(FBN2):c.5050A>G (p.Ser1684Gly)

Gene: FBN2 (fibrillin 2; minus strand). Cytogenetic location: 5q23.3.
Variant type: single nucleotide variant.
Coding change: c.5050A>G on transcript NM_001999.4 (MANE Select); coding-DNA position 5050, A replaced by G.
Protein change: p.Ser1684Gly; replaces serine 1684 with glycine.
Molecular consequence: missense variant.
Genome position (GRCh38, 1-based): chr5:128,311,324, T>C on the plus strand (A>G on the coding strand, the complement: FBN2 is on the minus strand). VCF-style: chr5-128311324-T-C. GRCh37 (hg19) VCF-style: chr5-127647016-T-C.
Other names: short protein forms S1684G.
Identifiers: ClinVar variation 1446659 (VCV001446659.7), dbSNP rs863223577, ClinGen allele CA321915.
Genomic context (GRCh38, chr5:128,311,324, plus strand): 5'-CAGCACTGAGCATTTTAGGCATCAAATTCATCTCACCTTCACAGATGCGGGTATCCTCGC[T>C]GAGGTAGTAGCCTTGTGGGCACTCACACTGGAAGCTCCCAAAAGTGTTGATGCAGTTTCC-3'
Protein context (NP_001990.2, residues 1674-1694): QCECPQGYYL[Ser1684Gly]EDTRICEDID

ClinVar aggregate classification (germline): Uncertain significance. Review status: criteria provided, multiple submitters, no conflicts (2 of 4 stars). 2 submissions from 2 submitters: Uncertain significance (2). Last evaluated 2024-12-20.

Conditions:
Familial thoracic aortic aneurysm and aortic dissection (TAAD). Also called: Thoracic aortic aneurysms and dissections. Identifiers: Orphanet 91387, MedGen C4707243, MONDO:0019625.
Congenital contractural arachnodactyly (CCA). Also called: BEALS SYNDROME; Arthrogryposis, distal, type 9; Beals-Hecht syndrome. Identifiers: Orphanet 115, MedGen C0220668, MONDO:0007363, OMIM 121050.

Allele frequency attached by ClinVar (database versions not stated): gnomAD exomes below 0.00001.
gnomAD v4.1: 4 of 1,614,160 alleles (0.00025%); highest among the groups gnomAD compares: Middle Eastern, 0.033%; no homozygotes.

Submissions (2):

Ambry Genetics
Classification: Uncertain significance for Familial thoracic aortic aneurysm and aortic dissection. Last evaluated: 2024-12-20. Review status: criteria provided, single submitter. Criteria: Ambry Variant Classification Scheme 2023. Collection method: clinical testing. Allele origin: germline.
Comment: The p.S1684G variant (also known as c.5050A>G), located in coding exon 39 of the FBN2 gene, results from an A to G substitution at nucleotide position 5050. The serine at codon 1684 is replaced by glycine, an amino acid with similar properties. This amino acid position is not well conserved in available vertebrate species. In addition, the in silico prediction for this alteration is inconclusive. Based on the available evidence, the clinical significance of this variant remains unclear.

Labcorp Genetics (formerly Invitae), Labcorp
Classification: Uncertain significance for Congenital contractural arachnodactyly. Last evaluated: 2023-11-17. Review status: criteria provided, single submitter. Criteria: Invitae Variant Classification Sherloc (09022015). Collection method: clinical testing. Allele origin: germline.
Comment: This sequence change replaces serine, which is neutral and polar, with glycine, which is neutral and non-polar, at codon 1684 of the FBN2 protein (p.Ser1684Gly). This variant is present in population databases (no rsID available, gnomAD 0.0009%). This variant has not been reported in the literature in individuals affected with FBN2-related conditions. ClinVar contains an entry for this variant (Variation ID: 1446659). Advanced modeling of protein sequence and biophysical properties (such as structural, functional, and spatial information, amino acid conservation, physicochemical variation, residue mobility, and thermodynamic stability) performed at Invitae indicates that this missense variant is not expected to disrupt FBN2 protein function with a negative predictive value of 80%. In summary, the available evidence is currently insufficient to determine the role of this variant in disease. Therefore, it has been classified as a Variant of Uncertain Significance.